The following is an entry in ClinVar:

ClinVar aggregate classification (germline): Likely benign (1 of 4 stars; one submission).

Submission:

Molecular Diagnostic Laboratory for Inherited Cardiovascular Disease, Montreal Heart Institute
Classification: Likely benign. Last evaluated: 2025-04-09. Review status: criteria provided, single submitter. Criteria: ACMG Guidelines, 2015. Collection method: clinical testing. Allele origin: germline. Affected: no.
Comment: BS1

NM_006258.4(PRKG1):c.1076+22872_1076+22874del

Gene: PRKG1 (protein kinase cGMP-dependent 1; plus strand). Cytogenetic location: 10q21.1.
Variant type: Microsatellite.
Coding change: c.1076+22872_1076+22874del on transcript NM_006258.4 (MANE Select); bases 22872 to 22874 of the intron after coding-DNA position 1076, 3 bases deleted (AAC; older notation c.1076+22872_1076+22874delAAC).
Molecular consequence: intron variant.
Genome position (GRCh38, 1-based): chr10:52,184,835-52,184,837, AAC deleted; deleting any 3 consecutive bases within chr10:52,184,832-52,184,837 gives the same sequence; the c. name uses the placement nearest the transcript's 3' end. VCF-style (leftmost placement, unchanged base first): chr10-52184831-AAAC-A. GRCh37 (hg19) VCF-style: chr10-53944591-AAAC-A.
Other names: c.1031+22872_1031+22874del (NM_001098512.3); c.-134+22872_-134+22874del (NM_001374781.1).
Identifiers: ClinVar variation 3895342 (VCV003895342.1), dbSNP rs375704751.
Genomic context (GRCh38, chr10:52,184,831, plus strand): 5'-GCAGGCATATCACATGGCAAGAGCAGAAACAAGAGAGGGTGGGAGAGGTCCCAGACTTTT[AAAC>A]AACTAGATCATGTATGAAGTAACGGAGCAATAACTCACTTATCACGAAGAGGATGATGCT-3'